The following is an entry in ClinVar:

ClinVar aggregate classification (germline): Uncertain significance. Review status: criteria provided, multiple submitters, no conflicts (2 of 4 stars). 5 submissions from 5 submitters: Uncertain significance (5). Last evaluated 2026-01-26.

Conditions:
Hypertrophic cardiomyopathy 1 (CMH1). Also called: Familial hypertrophic cardiomyopathy 1; MYH7-Related Familial Hypertrophic Cardiomyopathy. Identifiers: MedGen C3495498, MONDO:0008647, OMIM 192600.
Congenital myopathy with fiber type disproportion. Also called: Congenital fiber-type disproportion; Congenital fiber-type disproportion myopathy. Identifiers: Orphanet 2020, MedGen C0546264, MONDO:0009711. Inheritance: all.
Dilated cardiomyopathy 1S (CMD1S). Identifiers: Orphanet 154, Orphanet 54260, MedGen C1834481, MONDO:0013262, OMIM 613426.
Myopathy, myosin storage, autosomal recessive (CMYO7B). Also called: CONGENITAL MYOPATHY 7B, MYOSIN STORAGE, AUTOSOMAL RECESSIVE. Identifiers: Orphanet 636970, MedGen C1850709, MONDO:0009708, OMIM 255160.
MYH7-related skeletal myopathy. Also called: Myopathy, distal, 1; Laing early-onset distal myopathy; MYOPATHY, DISTAL, EARLY-ONSET, AUTOSOMAL DOMINANT; MYOPATHY, LATE DISTAL HEREDITARY; Laing distal myopathy. Identifiers: Orphanet 59135, MedGen C4552004, MONDO:0008050, OMIM 160500.
Myosin storage myopathy (CMYO7A). Also called: MYOPATHY WITH LYSIS OF TYPE I MYOFIBRILS; MYH7-related late-onset scapuloperoneal muscular dystrophy; Congenital myopathy 7A, myosin storage, autosomal dominant; MYOPATHY, HYALINE BODY, AUTOSOMAL DOMINANT; Scapuloperoneal myopathy, MYH7-related; SCAPULOPERONEAL MUSCULAR DYSTROPHY. Identifiers: Orphanet 437572, Orphanet 636965, MedGen C1842160, MONDO:0008409, OMIM 608358.
Cardiovascular phenotype. Identifiers: MedGen CN230736.
Cardiomyopathy (CMYO). Also called: Cardiomyopathies. Identifiers: Orphanet 167848, MedGen C0878544, MONDO:0004994, HP:0001638. Inheritance: Various modes of inheritance.
Hypertrophic cardiomyopathy. Also called: HYPERTROPHIC MYOCARDIOPATHY. Identifiers: Orphanet 217569, MedGen C0007194, MeSH D002312, MONDO:0005045, HP:0001639.

Allele frequency attached by ClinVar (database versions not stated): gnomAD 0.00001; TOPMed 0.00001.
gnomAD v4.1: 1 of 1,614,076 alleles (0.000062%); highest among the groups gnomAD compares: African/African-American, 0.0013%; no homozygotes.

Submissions (5):

Labcorp Genetics (formerly Invitae), Labcorp
Classification: Uncertain significance for Hypertrophic cardiomyopathy. Last evaluated: 2026-01-26. Review status: criteria provided, single submitter. Criteria: Invitae Variant Classification Sherloc (09022015). Collection method: clinical testing. Allele origin: germline.
Comment: This sequence change replaces glutamic acid, which is acidic and polar, with aspartic acid, which is acidic and polar, at codon 1480 of the MYH7 protein (p.Glu1480Asp). This variant is present in population databases (no rsID available, gnomAD 0.01%). This variant has not been reported in the literature in individuals affected with MYH7-related conditions. ClinVar contains an entry for this variant (Variation ID: 657077). Invitae Evidence Modeling of protein sequence and biophysical properties (such as structural, functional, and spatial information, amino acid conservation, physicochemical variation, residue mobility, and thermodynamic stability) indicates that this missense variant is expected to disrupt MYH7 protein function with a positive predictive value of 95%. In summary, the available evidence is currently insufficient to determine the role of this variant in disease. Therefore, it has been classified as a Variant of Uncertain Significance.

Color Diagnostics, LLC DBA Color Health
Classification: Uncertain significance for Cardiomyopathy. Last evaluated: 2025-06-23. Review status: criteria provided, single submitter. Criteria: ACMG Guidelines, 2015. Collection method: clinical testing. Allele origin: germline.
Comment: This missense variant replaces glutamic acid with aspartic acid at codon 1480 of the MYH7 protein. Computational prediction suggests that this variant may have deleterious impact on protein structure and function. To our knowledge, functional studies have not been reported for this variant. This variant has not been reported in individuals affected with MYH7-related disorders in the literature. This variant has been identified in 1/31396 chromosomes in the general population by the Genome Aggregation Database (gnomAD). The available evidence is insufficient to determine the role of this variant in disease conclusively. Therefore, this variant is classified as a Variant of Uncertain Significance.

All of Us Research Program, National Institutes of Health
Classification: Uncertain significance for Cardiomyopathy. Last evaluated: 2023-03-04. Review status: criteria provided, single submitter. Criteria: ACMG Guidelines, 2015. Collection method: clinical testing. Allele origin: germline. Inheritance: Autosomal dominant inheritance. Observed: 1 variant allele, 1 heterozygote.
Comment: This study involves interpretation of variants in research participants for the purpose of population health screening. Participant phenotype was not available at the time of variant classification. Additional details can be found in publication PMID: 35346344, PMCID: PMC8962531

Ambry Genetics
Classification: Uncertain significance for Cardiovascular phenotype. Last evaluated: 2022-09-22. Review status: criteria provided, single submitter. Criteria: Ambry Variant Classification Scheme 2023. Collection method: clinical testing. Allele origin: germline.
Comment: The p.E1480D variant (also known as c.4440G>T), located in coding exon 30 of the MYH7 gene, results from a G to T substitution at nucleotide position 4440. The glutamic acid at codon 1480 is replaced by aspartic acid, an amino acid with highly similar properties. This amino acid position is highly conserved in available vertebrate species. In addition, the in silico prediction for this alteration is inconclusive. Since supporting evidence is limited at this time, the clinical significance of this alteration remains unclear.

Fulgent Genetics
Classification: Uncertain significance for MYH7-related skeletal myopathy; Myosin storage myopathy; Hypertrophic cardiomyopathy 1; Myopathy, myosin storage, autosomal recessive; Congenital myopathy 4A, autosomal dominant; Dilated cardiomyopathy 1S. Last evaluated: 2021-10-02. Review status: criteria provided, single submitter. Criteria: ACMG Guidelines, 2015. Collection method: clinical testing. Allele origin: unknown.

NM_000257.4(MYH7):c.4440G>T (p.Glu1480Asp)

Genes: MHRT (myosin heavy chain associated RNA transcript; plus strand), MYH7 (myosin heavy chain 7; minus strand). Cytogenetic location: 14q11.2.
Variant type: single nucleotide variant.
Coding change: c.4440G>T on transcript NM_000257.4 (MANE Select); coding-DNA position 4440, G replaced by T.
Protein change: p.Glu1480Asp; replaces glutamic acid 1480 with aspartic acid.
Molecular consequence: missense variant. On other transcripts: non-coding transcript variant (1).
Genome position (GRCh38, 1-based): chr14:23,417,232, C>A on the plus strand (G>T on the coding strand, the complement: MYH7 is on the minus strand). VCF-style: chr14-23417232-C-A. GRCh37 (hg19) VCF-style: chr14-23886441-C-A.
Other names: short protein forms E1480D.
Identifiers: ClinVar variation 657077 (VCV000657077.13), dbSNP rs1351661186, ClinGen allele CA389038452.